The following is an entry in ClinVar:

NM_177924.5(ASAH1):c.229G>A (p.Val77Met)

Gene: ASAH1 (N-acylsphingosine amidohydrolase 1; minus strand). Cytogenetic location: 8p22.
Variant type: single nucleotide variant.
Coding change: c.229G>A on transcript NM_177924.5 (MANE Select); coding-DNA position 229, G replaced by A.
Protein change: p.Val77Met; replaces valine 77 with methionine.
Molecular consequence: missense variant. On other transcripts: intron variant (1).
Genome position (GRCh38, 1-based): chr8:18,069,866, C>T on the plus strand (G>A on the coding strand, the complement: ASAH1 is on the minus strand). VCF-style: chr8-18069866-C-T. GRCh37 (hg19) VCF-style: chr8-17927375-C-T.
Other names: c.34G>A, p.Val12Met (NM_001363743.2); c.277G>A, p.Val93Met (NM_004315.6); c.285+1434G>A (NM_001127505.3); short protein forms V77M, V12M, V93M.
Identifiers: ClinVar variation 1360940 (VCV001360940.8), dbSNP rs1185666268, ClinGen allele CA370433371.
Genomic context (GRCh38, chr8:18,069,866, plus strand): 5'-CCACCTGCATAATTTTTCCACTTGGCACGAATGTATTTATCATATTCTTCAGAGAATTCA[C>T]TATAACCTTTAGCTGAAAAATAAATAAAATGCTTACTAAAAGACATAATGAAATGCTGTC-3'
Protein context (NP_808592.2, residues 67-87): LDKAPVLKVI[Val77Met]NSLKNMINTF

ClinVar aggregate classification (germline): Uncertain significance (1 of 4 stars; one submission).

Allele frequency attached by ClinVar (database versions not stated): gnomAD exomes below 0.00001 and 0.00001; gnomAD 0.00001; TOPMed 0.00004.
gnomAD v4.1: 4 of 1,583,776 alleles (0.00025%); highest among the groups gnomAD compares: Admixed American, 0.0067%; no homozygotes.

Submission:

Labcorp Genetics (formerly Invitae), Labcorp
Classification: Uncertain significance. Last evaluated: 2024-07-01. Review status: criteria provided, single submitter. Criteria: Invitae Variant Classification Sherloc (09022015). Collection method: clinical testing. Allele origin: germline.
Comment: This sequence change replaces valine, which is neutral and non-polar, with methionine, which is neutral and non-polar, at codon 77 of the ASAH1 protein (p.Val77Met). This variant is present in population databases (no rsID available, gnomAD 0.006%). This variant has not been reported in the literature in individuals affected with ASAH1-related conditions. ClinVar contains an entry for this variant (Variation ID: 1360940). Advanced modeling of protein sequence and biophysical properties (such as structural, functional, and spatial information, amino acid conservation, physicochemical variation, residue mobility, and thermodynamic stability) performed at Invitae indicates that this missense variant is not expected to disrupt ASAH1 protein function with a negative predictive value of 80%. In summary, the available evidence is currently insufficient to determine the role of this variant in disease. Therefore, it has been classified as a Variant of Uncertain Significance.